The following is an entry in ClinVar:

NM_000548.5(TSC2):c.2226A>G (p.Ser742=)

Gene: TSC2 (TSC complex subunit 2; plus strand). Cytogenetic location: 16p13.3.
Variant type: single nucleotide variant.
Coding change: c.2226A>G on transcript NM_000548.5 (MANE Select); coding-DNA position 2226, A replaced by G.
Protein change: p.Ser742=; no amino-acid change (serine 742 retained).
Molecular consequence: synonymous variant.
Genome position (GRCh38, 1-based): chr16:2,072,854, A>G. VCF-style: chr16-2072854-A-G. GRCh37 (hg19) VCF-style: chr16-2122855-A-G.
Other names: c.2226A>G, p.Ser742= (NM_001077183.3, NM_001114382.3, NM_001363528.2 and 3 more transcripts); c.2115A>G, p.Ser705= (NM_001318827.2); c.2079A>G, p.Ser693= (NM_001318829.2); c.1626A>G, p.Ser542= (NM_001318831.2); c.2259A>G, p.Ser753= (NM_001318832.2).
Identifiers: ClinVar variation 413665 (VCV000413665.15), dbSNP rs1060504097, ClinGen allele CA16615068.
Genomic context (GRCh38, chr16:2,072,854, plus strand): 5'-CTACCCCGTGACCTGGCCGCTGGGGAGAGGTTTCATGCCTGGATTTGGTCATCAGCTTTC[A>G]GGCCCAAAGACACTGGAGCGGCTCCGAGGCGCCCCAGAAGGCTTCTCCAGAACTGACTTG-3'
Protein context (NP_000539.2, residues 732-752): QLCSALCSML[Ser742=]GPKTLERLRG

ClinVar aggregate classification (germline): Benign/Likely benign. Review status: criteria provided, multiple submitters, no conflicts (2 of 4 stars). 3 submissions from 3 submitters: Benign (1); Likely benign (2). Last evaluated 2025-11-01.

Conditions:
Hereditary cancer-predisposing syndrome. Also called: Tumor predisposition; Neoplastic Syndromes, Hereditary; Hereditary Cancer Syndrome; Hereditary neoplastic syndrome. Identifiers: Orphanet 140162, MedGen C0027672, MeSH D009386, MONDO:0015356.
Tuberous sclerosis 2 (TSC2). Identifiers: Orphanet 805, MedGen C1860707, MONDO:0013199, OMIM 613254.

Allele frequency attached by ClinVar (database versions not stated): gnomAD exomes below 0.00001; gnomAD 0.00001.
gnomAD v4.1: 3 of 1,613,460 alleles (0.00019%); highest among the groups gnomAD compares: Non-Finnish European, 0.00025%; no homozygotes.

Submissions (3):

Labcorp Genetics (formerly Invitae), Labcorp
Classification: Likely benign for Tuberous sclerosis 2. Last evaluated: 2025-11-01. Review status: criteria provided, single submitter. Criteria: Invitae Variant Classification Sherloc (09022015). Collection method: clinical testing. Allele origin: germline.

Myriad Genetics, Inc.
Classification: Benign for Tuberous sclerosis 2. Last evaluated: 2025-05-19. Review status: criteria provided, single submitter. Criteria: Myriad Autosomal Dominant, Autosomal Recessive and X-Linked Classification Criteria (2023). Collection method: clinical testing. Allele origin: unknown.
Comment: This variant is considered benign. This variant is a silent/synonymous amino acid change and it is not expected to impact splicing.

Ambry Genetics
Classification: Likely benign for Hereditary cancer-predisposing syndrome. Last evaluated: 2022-01-25. Review status: criteria provided, single submitter. Criteria: Ambry Variant Classification Scheme 2023. Collection method: clinical testing. Allele origin: germline.